The following is an entry in ClinVar:

ClinVar aggregate classification (germline): Uncertain significance (1 of 4 stars; one submission).

gnomAD v4.1: 107 of 1,614,192 alleles (0.0066%); highest among the groups gnomAD compares: African/African-American, 0.13%; no homozygotes.

Submission:

Women's Health and Genetics/Laboratory Corporation of America, LabCorp
Classification: Uncertain significance. Last evaluated: 2026-03-19. Review status: criteria provided, single submitter. Criteria: LabCorp Variant Classification Summary - May 2015. Collection method: clinical testing. Allele origin: germline.
Comment: Variant summary: CCDC32 c.-27A>T is located in the untranslated mRNA region upstream of the initiation codon. The variant allele was found at a frequency of 0.00013 in 280916 control chromosomes. This frequency is not significantly higher than estimated for disease-causing variants in CCDC32, allowing no conclusion about variant significance. To our knowledge, no occurrence of c.-27A>T in individuals affected with CCDC32-related conditions and no experimental evidence demonstrating its impact on protein function have been reported. No submitters have cited clinical-significance assessments for this variant to ClinVar. Based on the evidence outlined above, the variant was classified as uncertain significance.

NM_001080792.4(CCDC32):c.-13+196A>T

Gene: CCDC32 (coiled-coil domain containing 32; minus strand). Cytogenetic location: 15q15.1.
Variant type: single nucleotide variant.
Coding change: c.-13+196A>T on transcript NM_001080792.4 (MANE Select); 196 bases into the intron after 13 bases upstream of the start codon, A replaced by T.
Molecular consequence: intron variant. On other transcripts: 5 prime UTR variant (2).
Genome position (GRCh38, 1-based): chr15:40,564,780, T>A on the plus strand (A>T on the coding strand, the complement: CCDC32 is on the minus strand). VCF-style: chr15-40564780-T-A. GRCh37 (hg19) VCF-style: chr15-40856979-T-A.
Other names: c.-27A>T (NM_001080791.4); c.-25A>T (NM_001382434.1); c.-13+196A>T (NM_001382439.1, NM_001382441.1, NM_001382438.1 and 2 more transcripts); c.-8+196A>T (NM_001382440.1, NM_001382436.1); c.-13+11A>T (NM_001289132.2, NM_052849.5); c.-8+11A>T (NM_001382435.1).
Identifiers: ClinVar variation 4847076 (VCV004847076.1).